The following is an entry in ClinVar:

NM_002907.4(RECQL):c.1687G>C (p.Ala563Pro)

Genes: PYROXD1 (pyridine nucleotide-disulphide oxidoreductase domain 1; plus strand), RECQL (RecQ like helicase; minus strand). Cytogenetic location: 12p12.1.
Variant type: single nucleotide variant.
Coding change: c.1687G>C on transcript NM_002907.4 (MANE Select); coding-DNA position 1687, G replaced by C.
Protein change: p.Ala563Pro; replaces alanine 563 with proline.
Molecular consequence: missense variant. On other transcripts: 3 prime UTR variant (3).
Genome position (GRCh38, 1-based): chr12:21,471,079, C>G on the plus strand (G>C on the coding strand, the complement: RECQL is on the minus strand). VCF-style: chr12-21471079-C-G. GRCh37 (hg19) VCF-style: chr12-21624013-C-G.
Other names: c.1687G>C, p.Ala563Pro (NM_032941.3); c.*2325C>G (NM_001350912.2, NM_001350913.2, NM_024854.5); short protein forms A563P.
Identifiers: ClinVar variation 3431803 (VCV003431803.1).

ClinVar aggregate classification (germline): Uncertain significance (1 of 4 stars; one submission).

gnomAD v4.1: 3 of 1,590,180 alleles (0.00019%); highest among the groups gnomAD compares: Non-Finnish European, 0.00026%; no homozygotes.

Submission:

Ambry Genetics
Classification: Uncertain significance. Last evaluated: 2024-09-30. Review status: criteria provided, single submitter. Criteria: Ambry Variant Classification Scheme 2023. Collection method: clinical testing. Allele origin: germline.
Comment: The p.A563P variant (also known as c.1687G>C), located in coding exon 13 of the RECQL gene, results from a G to C substitution at nucleotide position 1687. The alanine at codon 563 is replaced by proline, an amino acid with highly similar properties. This amino acid position is conserved. In addition, this alteration is predicted to be tolerated by in silico analysis. Based on the available evidence, the clinical significance of this variant remains unclear.